The following is an entry in ClinVar:

ClinVar aggregate classification (germline): Uncertain significance. Review status: criteria provided, multiple submitters, no conflicts (2 of 4 stars). 4 submissions from 4 submitters: Uncertain significance (4). Last evaluated 2024-10-01.

Conditions:
Inborn genetic diseases. Identifiers: MedGen C0950123, MeSH D030342.
Infantile neuroaxonal dystrophy (NBIA2A). Also called: Infantile neuroaxonal dystrophy 1; NEURODEGENERATION WITH BRAIN IRON ACCUMULATION 2A; SEITELBERGER DISEASE. Identifiers: Orphanet 35069, MedGen C0270724, MONDO:0024457, OMIM 256600.

Allele frequency attached by ClinVar (database versions not stated): gnomAD exomes 0.00001; TOPMed 0.00001.
gnomAD v4.1: 11 of 1,613,148 alleles (0.00068%); highest among the groups gnomAD compares: Non-Finnish European, 0.00093%; no homozygotes.

Submissions (4):

CeGaT Center for Human Genetics Tuebingen
Classification: Uncertain significance. Last evaluated: 2024-10-01. Review status: criteria provided, single submitter. Criteria: CeGaT Center For Human Genetics Tuebingen Variant Classification Criteria Version 2. Collection method: clinical testing. Allele origin: germline. Affected: yes. Observed: 1 variant allele.
Comment: PLA2G6: PM2

Mayo Clinic Laboratories, Mayo Clinic
Classification: Uncertain significance. Last evaluated: 2023-05-30. Review status: criteria provided, single submitter. Criteria: ACMG Guidelines, 2015. Collection method: clinical testing. Allele origin: germline. Observed: 1 variant allele.
Comment: PM2

Labcorp Genetics (formerly Invitae), Labcorp
Classification: Uncertain significance for Infantile neuroaxonal dystrophy. Last evaluated: 2021-08-21. Review status: criteria provided, single submitter. Criteria: Invitae Variant Classification Sherloc (09022015). Collection method: clinical testing. Allele origin: germline.
Comment: This sequence change replaces aspartic acid with valine at codon 453 of the PLA2G6 protein (p.Asp453Val). The aspartic acid residue is highly conserved and there is a large physicochemical difference between aspartic acid and valine. This variant is not present in population databases (ExAC no frequency). This variant has not been reported in the literature in individuals affected with PLA2G6-related conditions. Advanced modeling of protein sequence and biophysical properties (such as structural, functional, and spatial information, amino acid conservation, physicochemical variation, residue mobility, and thermodynamic stability) performed at Invitae indicates that this missense variant is expected to disrupt PLA2G6 protein function. In summary, the available evidence is currently insufficient to determine the role of this variant in disease. Therefore, it has been classified as a Variant of Uncertain Significance.

Ambry Genetics
Classification: Uncertain significance for Inborn genetic diseases. Last evaluated: 2021-04-28. Review status: criteria provided, single submitter. Criteria: Ambry Variant Classification Scheme 2023. Collection method: clinical testing. Allele origin: germline.

NM_003560.4(PLA2G6):c.1358A>T (p.Asp453Val)

Gene: PLA2G6 (phospholipase A2 group VI; minus strand). Cytogenetic location: 22q13.1.
Variant type: single nucleotide variant.
Coding change: c.1358A>T on transcript NM_003560.4 (MANE Select); coding-DNA position 1358, A replaced by T.
Protein change: p.Asp453Val; replaces aspartic acid 453 with valine.
Molecular consequence: missense variant.
Genome position (GRCh38, 1-based): chr22:38,126,440, T>A on the plus strand (A>T on the coding strand, the complement: PLA2G6 is on the minus strand). VCF-style: chr22-38126440-T-A. GRCh37 (hg19) VCF-style: chr22-38522447-T-A.
Other names: p.Asp453Val; c.1196A>T, p.Asp399Val (NM_001004426.3, NM_001199562.3, NM_001349865.2 and 1 more transcripts); c.1358A>T, p.Asp453Val (NM_001349864.2); c.824A>T, p.Asp275Val (NM_001349867.2); c.680A>T, p.Asp227Val (NM_001349868.2); c.662A>T, p.Asp221Val (NM_001349869.2); c.1358A>T (NM_003560.2); short protein forms D227V, D399V, D453V, D275V, D221V.
Identifiers: ClinVar variation 1450345 (VCV001450345.19), dbSNP rs1012889381, ClinGen allele CA324192543.